The following is an entry in ClinVar:

NM_006265.3(RAD21):c.789T>A (p.Asp263Glu)

Gene: RAD21 (RAD21 cohesin complex component; minus strand). Cytogenetic location: 8q24.11.
Variant type: single nucleotide variant.
Coding change: c.789T>A on transcript NM_006265.3 (MANE Select); coding-DNA position 789, T replaced by A.
Protein change: p.Asp263Glu; replaces aspartic acid 263 with glutamic acid.
Molecular consequence: missense variant.
Genome position (GRCh38, 1-based): chr8:116,856,671, A>T on the plus strand (T>A on the coding strand, the complement: RAD21 is on the minus strand). VCF-style: chr8-116856671-A-T. GRCh37 (hg19) VCF-style: chr8-117868910-A-T.
Other names: short protein forms D263E.
Identifiers: ClinVar variation 3715483 (VCV003715483.2).

ClinVar aggregate classification (germline): Uncertain significance (1 of 4 stars; one submission).

Conditions:
Cornelia de Lange syndrome 4 (CDLS4). Also called: RAD21-Related Cornelia de Lange Syndrome; CORNELIA DE LANGE SYNDROME 4 WITH OR WITHOUT MIDLINE BRAIN DEFECTS. Identifiers: Orphanet 199, MedGen C3553517, MONDO:0013864, OMIM 614701.

Submission:

Labcorp Genetics (formerly Invitae), Labcorp
Classification: Uncertain significance for Cornelia de Lange syndrome 4. Last evaluated: 2024-08-29. Review status: criteria provided, single submitter. Criteria: Invitae Variant Classification Sherloc (09022015). Collection method: clinical testing. Allele origin: germline.
Comment: This sequence change replaces aspartic acid, which is acidic and polar, with glutamic acid, which is acidic and polar, at codon 263 of the RAD21 protein (p.Asp263Glu). This variant is present in population databases (no rsID available, gnomAD 0.003%). This variant has not been reported in the literature in individuals affected with RAD21-related conditions. Invitae Evidence Modeling of protein sequence and biophysical properties (such as structural, functional, and spatial information, amino acid conservation, physicochemical variation, residue mobility, and thermodynamic stability) indicates that this missense variant is not expected to disrupt RAD21 protein function with a negative predictive value of 80%. In summary, the available evidence is currently insufficient to determine the role of this variant in disease. Therefore, it has been classified as a Variant of Uncertain Significance.